The following is an entry in ClinVar:

NM_001080414.4(CCDC88C):c.5440C>T (p.Arg1814Trp)

Gene: CCDC88C (coiled-coil domain containing 88C; minus strand). Cytogenetic location: 14q32.11.
Variant type: single nucleotide variant.
Coding change: c.5440C>T on transcript NM_001080414.4 (MANE Select); coding-DNA position 5440, C replaced by T.
Protein change: p.Arg1814Trp; replaces arginine 1814 with tryptophan.
Molecular consequence: missense variant.
Genome position (GRCh38, 1-based): chr14:91,273,272, G>A on the plus strand (C>T on the coding strand, the complement: CCDC88C is on the minus strand). VCF-style: chr14-91273272-G-A. GRCh37 (hg19) VCF-style: chr14-91739616-G-A.
Other names: short protein forms R1814W.
Identifiers: ClinVar variation 2585424 (VCV002585424.1), dbSNP rs973758502, ClinGen allele CA265517960.

ClinVar aggregate classification (germline): Uncertain significance (1 of 4 stars; one submission).

Conditions:
Spinocerebellar ataxia type 40. Identifiers: Orphanet 423275, MedGen C4518336, MONDO:0014475, OMIM 616053.

Allele frequency attached by ClinVar (database versions not stated): gnomAD 0.00001.
gnomAD v4.1: 24 of 1,559,346 alleles (0.0015%); highest among the groups gnomAD compares: Middle Eastern, 0.017%; no homozygotes.

Submission:

Neuberg Centre For Genomic Medicine, NCGM
Classification: Uncertain significance for Spinocerebellar ataxia type 40. Review status: criteria provided, single submitter. Criteria: ACMG Guidelines, 2015. Collection method: clinical testing. Allele origin: germline. Inheritance: Autosomal dominant inheritance. Affected: yes.
Comment: "The missense variant in c.5440C>T (p.Arg1814Trp) in CCDC88C gene has not been reported previously as a pathogenic variant nor as a benign variant, to our knowledge. The p.Arg1814Trp variant is reported with the allele frequency of 0.004970% in gnomAD database and is novel (not in any individuals) in 1000 Genomes. The amino acid Arg at position 1814 is changed to a Trp changing protein sequence and it might alter its composition and physico-chemical properties. The variant is predicted to be damaging by both SIFT and PolyPhen2. The residue is conserved across species. The amino acid change p.Arg1814Trp in CCDC88C is predicted as conserved by GERP++ and PhyloP across 100 vertebrates. For these reasons, this variant has been classified as Uncertain Significance."